The following is an entry in ClinVar:

ClinVar aggregate classification (germline): Uncertain significance. Review status: criteria provided, multiple submitters, no conflicts (2 of 4 stars). 2 submissions from 2 submitters: Uncertain significance (2). Last evaluated 2026-06-05.

Conditions:
Hereditary cancer-predisposing syndrome. Also called: Hereditary Cancer Syndrome; Hereditary neoplastic syndrome; Neoplastic Syndromes, Hereditary; Tumor predisposition. Identifiers: Orphanet 140162, MedGen C0027672, MeSH D009386, MONDO:0015356.
Neurofibromatosis, type 2 (SWNV). Also called: BILATERAL ACOUSTIC NEUROFIBROMATOSIS; NF2-Related Schwannomatosis; SCHWANNOMATOSIS, VESTIBULAR. Identifiers: Orphanet 637, MedGen C0027832, MONDO:0007039, OMIM 101000. Disease mechanism: loss of function.

Submissions (2):

Ambry Genetics
Classification: Uncertain significance for Hereditary cancer-predisposing syndrome. Last evaluated: 2026-06-05. Review status: criteria provided, single submitter. Criteria: Ambry Variant Classification Scheme 2023. Collection method: clinical testing. Allele origin: germline.
Comment: The c.-60dup variant is located in the 5 prime untranslated region (5'UTR) of the NF2 gene. This variant results from an duplication of two nucleotides at nucleotide position -60 upstream from the first translated codon. This variant was reported in individual(s) with features consistent with NF2-related schwannomatosis (Ambry internal data). This nucleotide position is well conserved in available vertebrate species. Based on the available evidence, the clinical significance of this variant remains unclear.

Labcorp Genetics (formerly Invitae), Labcorp
Classification: Uncertain significance for Neurofibromatosis, type 2. Last evaluated: 2024-02-19. Review status: criteria provided, single submitter. Criteria: Invitae Variant Classification Sherloc (09022015). Collection method: clinical testing. Allele origin: germline.
Comment: This variant occurs in a non-coding region of the NF2 gene. It does not change the encoded amino acid sequence of the NF2 protein. This variant is not present in population databases (gnomAD no frequency). This variant has not been reported in the literature in individuals affected with NF2-related conditions. Experimental studies and prediction algorithms are not available or were not evaluated, and the functional significance of this variant is currently unknown. In summary, the available evidence is currently insufficient to determine the role of this variant in disease. Therefore, it has been classified as a Variant of Uncertain Significance.

NM_000268.4(NF2):c.-60dup

Genes: NF2 (NF2, moesin-ezrin-radixin like (MERLIN) tumor suppressor; plus strand), LOC130067184 (ATAC-STARR-seq lymphoblastoid silent region 13595; plus strand). Cytogenetic location: 22q12.2.
Variant type: Duplication.
Coding change: c.-60dup on transcript NM_000268.4 (MANE Select); 60 bases upstream of the start codon, one base duplicated (G; older notation c.-60dupG).
Molecular consequence: 5 prime UTR variant. On other transcripts: non-coding transcript variant (1).
Genome position (GRCh38, 1-based): chr22:29,603,939, G duplicated; the last of 6 consecutive G bases (chr22:29,603,934-29,603,939); duplicating any one gives the same sequence. VCF-style (leftmost placement, unchanged base first): chr22-29603933-A-AG. GRCh37 (hg19) VCF-style: chr22-29999922-A-AG.
Other names: c.-290dup (NM_001407053.1, NM_001407056.1); c.-60dup (NM_001407054.1, NM_001407055.1, NM_001407057.1 and 15 more transcripts); c.-700dup (NM_001407065.1); c.-316dup (NM_001407067.1).
Identifiers: ClinVar variation 3708470 (VCV003708470.3).